The following is an entry in ClinVar:

NM_003177.7(SYK):c.1130T>A (p.Leu377Gln)

Gene: SYK (spleen associated tyrosine kinase; plus strand). Cytogenetic location: 9q22.2.
Variant type: single nucleotide variant.
Coding change: c.1130T>A on transcript NM_003177.7 (MANE Select); coding-DNA position 1130, T replaced by A.
Protein change: p.Leu377Gln; replaces leucine 377 with glutamine.
Molecular consequence: missense variant.
Genome position (GRCh38, 1-based): chr9:90,874,798, T>A. VCF-style: chr9-90874798-T-A. GRCh37 (hg19) VCF-style: chr9-93637080-T-A.
Other names: c.1061T>A, p.Leu354Gln (NM_001135052.4, NM_001174168.3); c.1130T>A, p.Leu377Gln (NM_001174167.3); short protein forms L354Q, L377Q.
Identifiers: ClinVar variation 5001482 (VCV005001482.1).

ClinVar aggregate classification (germline): Uncertain significance (1 of 4 stars; one submission).

Conditions:
SYK-related disorder. Also called: SYK-related condition.

Submission:

PreventionGenetics, part of Exact Sciences
Classification: Uncertain significance for SYK-related condition. Last evaluated: 2025-08-06. Review status: criteria provided, single submitter. Criteria: ACMG Guidelines, 2015. Collection method: clinical testing. Allele origin: germline.
Comment: The SYK c.1130T>A variant is predicted to result in the amino acid substitution p.Leu377Gln. To our knowledge, this variant has not been reported in the literature or in a large population database (gnomAD), indicating this variant is rare. At this time, the clinical significance of this variant is uncertain due to the absence of conclusive functional and genetic evidence.